The following is an entry in ClinVar:

NM_000535.7(PMS2):c.1379G>A (p.Gly460Asp)

Gene: PMS2 (PMS1 homolog 2, mismatch repair system component; minus strand). Cytogenetic location: 7p22.1.
Variant type: single nucleotide variant.
Coding change: c.1379G>A on transcript NM_000535.7 (MANE Select); coding-DNA position 1379, G replaced by A.
Protein change: p.Gly460Asp; replaces glycine 460 with aspartic acid.
Molecular consequence: missense variant. On other transcripts: non-coding transcript variant (1).
Genome position (GRCh38, 1-based): chr7:5,987,386, C>T on the plus strand (G>A on the coding strand, the complement: PMS2 is on the minus strand). VCF-style: chr7-5987386-C-T. GRCh37 (hg19) VCF-style: chr7-6027017-C-T.
Other names: c.974G>A, p.Gly325Asp (NM_001322003.2, NM_001322004.2, NM_001322005.2 and 1 more transcripts); c.1223G>A, p.Gly408Asp (NM_001322006.2); c.1061G>A, p.Gly354Asp (NM_001322007.2, NM_001322008.2); c.818G>A, p.Gly273Asp (NM_001322010.2); c.446G>A, p.Gly149Asp (NM_001322011.2, NM_001322012.2); c.806G>A, p.Gly269Asp (NM_001322013.2); c.1379G>A, p.Gly460Asp (NM_001322014.2); c.1070G>A, p.Gly357Asp (NM_001322015.2); short protein forms G460D, G273D, G354D, G149D, G269D, G408D, G325D, G357D.
Identifiers: ClinVar variation 142257 (VCV000142257.44), dbSNP rs150201462, ClinGen allele CA009586.

ClinVar aggregate classification (germline): Conflicting classifications of pathogenicity. Review status: criteria provided, conflicting classifications (1 of 4 stars). 18 submissions from 18 submitters: Uncertain significance (11); Benign (2); Likely benign (3). 2 of the submissions do not count toward it. Last evaluated 2026-10-28.

Conditions:
Hereditary nonpolyposis colorectal neoplasms. Identifiers: MedGen C0009405, MeSH D003123.
Inherited MMR deficiency (Lynch syndrome).
Lynch syndrome 4 (LYNCH4). Also called: Colorectal cancer, hereditary nonpolyposis, type 4; Hereditary non-polyposis colorectal cancer, type 4. Identifiers: Orphanet 144, MedGen C1838333, MONDO:0013699, OMIM 614337. Disease mechanism: loss of function.
Mismatch repair cancer syndrome 4. Identifiers: MedGen C5436817, MONDO:0030843, OMIM 619101.
Breast and/or ovarian cancer. Identifiers: MedGen CN221562.
Hereditary cancer-predisposing syndrome. Also called: Hereditary neoplastic syndrome; Neoplastic Syndromes, Hereditary; Tumor predisposition; Hereditary Cancer Syndrome. Identifiers: Orphanet 140162, MedGen C0027672, MeSH D009386, MONDO:0015356.
Lynch syndrome. Identifiers: Orphanet 144, MedGen C4552100, MONDO:0005835. Disease mechanism: loss of function.
Endometrial carcinoma. Also called: Endometrial carcinoma, somatic. Identifiers: MedGen C0476089, MONDO:0002447, OMIM 608089, HP:0012114.

Allele frequency attached by ClinVar (database versions not stated): gnomAD exomes 0.00002 and 0.00003; TOPMed 0.00005; gnomAD 0.00006 and 0.00007; ExAC 0.00007; ESP Exome Variant Server 0.00008.
gnomAD v4.1: 58 of 1,614,106 alleles (0.0036%); highest among the groups gnomAD compares: African/African-American, 0.024%; 1 homozygote.

Submissions 1 to 11 of 18:

Genomics and Molecular Medicine Service, East Genomic Laboratory Hub, NHS Genomic Medicine Service
Classification: Uncertain significance for Inherited MMR deficiency (Lynch syndrome). Last evaluated: 2026-10-28. Review status: criteria provided, single submitter. Criteria: ACGS Best Practice Guidelines for Variant Classification in Rare Disease 2020. Collection method: clinical testing. Allele origin: germline. Affected: yes.
Comment: BP4

Labcorp Genetics (formerly Invitae), Labcorp
Classification: Uncertain significance for Hereditary nonpolyposis colorectal neoplasms. Last evaluated: 2026-01-14. Review status: criteria provided, single submitter. Criteria: Invitae Variant Classification Sherloc (09022015). Collection method: clinical testing. Allele origin: germline.
Comment: This sequence change replaces glycine, which is neutral and non-polar, with aspartic acid, which is acidic and polar, at codon 460 of the PMS2 protein (p.Gly460Asp). The frequency data for this variant in the population databases is considered unreliable, as metrics indicate poor data quality at this position in the gnomAD database. This missense change has been observed in individual(s) with glioblastoma multiforme (PMID: 26689913). ClinVar contains an entry for this variant (Variation ID: 142257). Invitae Evidence Modeling incorporating data from in vitro experimental studies (internal data) indicates that this missense variant is not expected to disrupt PMS2 function with a negative predictive value of 95%. In summary, the available evidence is currently insufficient to determine the role of this variant in disease. Therefore, it has been classified as a Variant of Uncertain Significance.

Women's Health and Genetics/Laboratory Corporation of America, LabCorp
Classification: Uncertain significance. Last evaluated: 2025-12-17. Review status: criteria provided, single submitter. Criteria: LabCorp Variant Classification Summary - May 2015. Collection method: clinical testing. Allele origin: germline.
Comment: Variant summary: PMS2 c.1379G>A (p.Gly460Asp) results in a non-conservative amino acid change in the encoded protein sequence. Algorithms developed to predict the effect of missense changes on protein structure and function are either unavailable or do not agree on the potential impact of this missense change. The variant allele was found at a frequency of 1.6e-05 in 251464 control chromosomes. The available data on variant occurrences in the general population are insufficient to allow any conclusion about variant significance. However, this observation needs to be cautiously considered since sequence alignment analysis suggests that the variant lies within a region of the gene that has high homology with the PMS2 pseudogene. c.1379G>A has been reported in the literature in individuals affected with common variable immunodeficiency, glioblastoma multiforme and also in patients with suspected HBOC risk (Maffucci_2016, Lu_2015, Shao_2019). These reports however, do not provide unequivocal conclusions about association of the variant with PMS2-related conditions. To our knowledge, no experimental evidence demonstrating an impact on protein function has been reported. The following publications have been ascertained in the context of this evaluation (PMID: 26689913, 27379089, 31742824, 20186688, 39334433, 38851388, 36746394, 32321774, 28717660, 26689913). ClinVar contains an entry for this variant (Variation ID: 142257). Based on the evidence outlined above, the variant was classified as uncertain significance.

Spanish MMR Variant Interpretation Working Group
Classification: Uncertain significance for Hereditary cancer-predisposing syndrome. Last evaluated: 2025-05-05. Review status: criteria provided, single submitter. Criteria: ClinGen CRC ACMG Specifications PMS2 V1.0.0. Collection method: clinical testing. Allele origin: germline. Affected: yes.
Comment: The PMS2 variant c.1379G>A replaces glycine with asparagine at codon 460 of the PMS2 protein (p.Gly460Asp). The glycine residue is weakly conserved and there is a moderate physicochemical difference between glycine and asparagine. It has an allele frequency of 0,0035% in the gnomAD v4.1.0 database, with a maximal credible allele frequency of 0.015% (no criterion is met; the allele frequency data may be inaccurate due to possible PMS2CL pseudogene interference). It is a missense variant with a MAPP+PolyPhen-2 prior probability of pathogenicity of <0.11, and SpliceAI, SSF, MaxEnt, NNSPLICE, and GeneSplicer algorithms do not suggest an impact on splicing (BP4). There are no other described PAT/LPAT variants located at the same residue. To our current knowledge, no functional assays have been reported for this variant. Based on the available evidence, this variant is classified as a Variant of Unknown Significance (Class 3).

GeneDx
Classification: Uncertain significance. Last evaluated: 2025-05-04. Review status: criteria provided, single submitter. Criteria: GeneDx Variant Classification Process June 2021. Collection method: clinical testing. Allele origin: germline. Affected: yes.
Comment: In silico analysis suggests that this missense variant does not alter protein structure/function; This variant is associated with the following publications: (PMID: 27379089, 20186688, 26689913, 33471991, 31742824)

Mayo Clinic Laboratories, Mayo Clinic
Classification: Likely benign. Last evaluated: 2025-04-07. Review status: criteria provided, single submitter. Criteria: ACMG Guidelines, 2015. Collection method: clinical testing. Allele origin: germline. Observed: 1 variant allele.
Comment: BS1, BP4

Center for Genomic Medicine, Rigshospitalet, Copenhagen University Hospital
Classification: Benign. Last evaluated: 2025-03-04. Review status: criteria provided, single submitter. Criteria: ACMG Guidelines, 2015. Collection method: clinical testing. Allele origin: germline.

Quest Diagnostics Nichols Institute San Juan Capistrano
Classification: Uncertain significance. Last evaluated: 2025-01-09. Review status: criteria provided, single submitter. Criteria: Quest Diagnostics criteria. Collection method: clinical testing. Allele origin: unknown.
Comment: The PMS2 c.1379G>A (p.Gly460Asp) variant has been reported in the published literature in an individual affected with colorectal cancer who also carried a deleterious MLH1 variant, suggesting this PMS2 variant may not be the primary cause of disease (PMID: 39334433 (2024)). This PMS2 variant was reported in individuals affected with glioblastoma multiforme (PMID: 26689913 (2015)) and breast cancer (PMIDs: 31742824 (2020), 37231433 (2023)). This variant has also been identified in affected and reportedly healthy individuals in a large-scale breast cancer association study (PMID: 33471991 (2021), see also LOVD). The frequency of this variant in the general population (Genome Aggregation Database) is uninformative in the assessment of its pathogenicity. Analysis of this variant using bioinformatics tools for the prediction of the effect of amino acid changes on protein structure and function yielded predictions that this variant is benign. Based on the available information, we are unable to determine the clinical significance of this variant.

Color Diagnostics, LLC DBA Color Health
Classification: Benign for Hereditary cancer-predisposing syndrome. Last evaluated: 2024-10-17. Review status: criteria provided, single submitter. Criteria: ACMG Guidelines, 2015. Collection method: clinical testing. Allele origin: germline.

Fulgent Genetics
Classification: Uncertain significance for Lynch syndrome 4; Mismatch repair cancer syndrome 4. Last evaluated: 2024-05-08. Review status: criteria provided, single submitter. Criteria: ACMG Guidelines, 2015. Collection method: clinical testing. Allele origin: germline.

All of Us Research Program, National Institutes of Health
Classification: Likely benign for Lynch syndrome. Last evaluated: 2023-12-18. Review status: criteria provided, single submitter. Criteria: ACMG Guidelines, 2015. Collection method: clinical testing. Allele origin: germline. Inheritance: Autosomal dominant inheritance. Observed: 8 variant alleles, 8 heterozygotes.
Comment: This study involves interpretation of variants in research participants for the purpose of population health screening. Participant phenotype was not available at the time of variant classification. Additional details can be found in publication PMID: 35346344, PMCID: PMC8962531